The following is an entry in ClinVar:

ClinVar aggregate classification (germline): Likely benign. Review status: reviewed by expert panel (3 of 4 stars). 7 submissions from 7 submitters: Likely benign (1). 6 of the submissions do not count toward it. Last evaluated 2025-05-20.

Conditions:
Creatine deficiency syndrome 1.
Inborn genetic diseases. Identifiers: MedGen C0950123, MeSH D030342.
Creatine transporter deficiency (CCDS1). Also called: CEREBRAL CREATINE DEFICIENCY SYNDROME 1; Creatine Transporter (CRTR) Deficiency; Mental retardation , X-linked with seizures, short stature and midface hypoplasia; Mental retardation , X-linked, with creatine transport deficiency; X-linked creatine transporter deficiency; X-linked creatine deficiency syndrome. Identifiers: Orphanet 52503, MedGen C1845862, MONDO:0010305, OMIM 300352.

Allele frequency attached by ClinVar (database versions not stated): ExAC 0.00001; gnomAD 0.00001 and 0.00002; gnomAD exomes 0.00002; TOPMed 0.00002.
gnomAD v4.1: 26 of 1,208,906 alleles (0.0022%); highest among the groups gnomAD compares: South Asian, 0.0035%; no homozygotes.

Submissions (7):

ClinGen Cerebral Creatine Deficiency Syndromes Variant Curation Expert Panel, ClinGen
Classification: Likely benign for Creatine transporter deficiency. Last evaluated: 2025-05-20. Review status: reviewed by expert panel. Criteria: ClinGen_CCDS_ACMG_Specifications_SLC6A8_v1.1. Collection method: curation. Allele origin: germline. Inheritance: X-linked inheritance.
Comment: The NM_005629.4:c.1319G>A variant in SLC6A8 is a missense variant predicted to cause the substitution of an arginine by a histidine at amino acid position 440 (p.Arg440His). This variant has been previously reported in one individual with epilepsy and developmental delay without documented evidence of elevated urinary creatine/creatinine or other phenotypic features of creatine transporter deficiency (PMID: 34395220), such that neither PS4 nor PP4 are met. In gnomAD v4.1.0. the highest population minor allele frequency (MAF) is 0.00003523 (2/56768 alleles; 1 hemizygote) in the South Asian population. This is greater than the ClinGen CCDS VCEP’s threshold for PM2_Supporting (<0.00002) but less than the ClinGen CCDS VCEP’s threshold for BS1 (>0.0002), such that neither of these criteria are met. There is a total of 7 hemizygotes in gnomAD v4.1.0.; 6 in the European non-Finnish population and one in the South Asian population (BS2). The computational predictor REVEL gives a score of 0.441 which neither supports a deleterious (>0.75) nor benign impact (<0.2) of the variant on the function of the protein (neither PP3 nor BP4 is met). There is a ClinVar entry for this variant (Variation ID: 372933). Due to the presence of 7 hemizygotes in gnomAD v4.1.0 without any evidence for pathogenicity, the consensus of the ClinGen CCDS VCEP is to classify this variant as likely benign for creatine transporter deficiency, a severe, pediatric onset neurodevelopmental disorder. SLC6A8-specific ACMG/AMP criteria applied, as specified by the ClinGen CCDS VCEP (Specifications Version 1.1.0): BS2 (Classification approved by the ClinGen Cerebral Creatine Deficiency Syndromes Variant Curation Expert Panel on May 20, 2025)

Myriad Genetics, Inc.
Classification: Uncertain significance for Creatine transporter deficiency. Last evaluated: 2026-02-26. Review status: criteria provided, single submitter. Criteria: Myriad Autosomal Dominant, Autosomal Recessive and X-Linked Classification Criteria (2023). Collection method: clinical testing. Allele origin: unknown. Not counted in ClinVar's aggregate classification.
Comment: NM_005629.3(SLC6A8):c.1319G>A(R440H) is a missense variant classified as a variant of uncertain significance in the context of creatine transporter deficiency. R440H has been observed in a case with relevant disease (PMID: 34395220). Relevant functional assessments of this variant are not available in the literature. R440H has been observed in referenced population frequency databases. In summary, there is insufficient evidence to classify NM_005629.3(SLC6A8):c.1319G>A(R440H) as pathogenic or benign. Please note: this variant was assessed in the context of healthy population screening.

Labcorp Genetics (formerly Invitae), Labcorp
Classification: Benign for Creatine transporter deficiency. Last evaluated: 2026-01-19. Review status: criteria provided, single submitter. Criteria: Invitae Variant Classification Sherloc (09022015). Collection method: clinical testing. Allele origin: germline. Not counted in ClinVar's aggregate classification.

Ambry Genetics
Classification: Uncertain significance for Inborn genetic diseases. Last evaluated: 2022-11-30. Review status: criteria provided, single submitter. Criteria: Ambry Variant Classification Scheme 2023. Collection method: clinical testing. Allele origin: germline. Not counted in ClinVar's aggregate classification.

Athena Diagnostics
Classification: Uncertain significance. Last evaluated: 2018-12-29. Review status: criteria provided, single submitter. Criteria: Athena Diagnostics Criteria. Collection method: clinical testing. Allele origin: germline. Not counted in ClinVar's aggregate classification.

GeneDx
Classification: Uncertain significance. Last evaluated: 2016-11-23. Review status: criteria provided, single submitter. Criteria: GeneDx Variant Classification (06012015). Collection method: clinical testing. Allele origin: germline. Affected: yes. Not counted in ClinVar's aggregate classification.
Comment: A variant of uncertain significance has been identified in the SLC6A8 gene. The R440H variant has not been published as a pathogenic variant, nor has it been reported as a benign variant to our knowledge. It was not observed in approximately 6,500 individuals of European and African American ancestry in the NHLBI Exome Sequencing Project, indicating it is not a common benign variant in these populations. This substitution occurs at a position that is conserved in mammals. However, the R440H variant is a conservative amino acid substitution, which is not likely to impact secondary protein structure as these residues share similar properties. In silico analysis is inconsistent in its predictions as to whether or not the variant is damaging to the protein structure/function. Therefore, based on the currently available information, it is unclear whether this variant is a pathogenic variant or a rare benign variant.

Natera, Inc.
Classification: Uncertain significance for Creatine deficiency syndrome 1. Last evaluated: 2019-11-11. Review status: no assertion criteria provided. Collection method: clinical testing. Allele origin: germline. Not counted in ClinVar's aggregate classification.

Literature cited by the submitters: PubMed 34395220 (cited by Myriad Genetics, Inc. and Ambry Genetics).

NM_005629.4(SLC6A8):c.1319G>A (p.Arg440His)

Gene: SLC6A8 (solute carrier family 6 member 8; plus strand). Cytogenetic location: Xq28.
Variant type: single nucleotide variant.
Coding change: c.1319G>A on transcript NM_005629.4 (MANE Select); coding-DNA position 1319, G replaced by A.
Protein change: p.Arg440His; replaces arginine 440 with histidine.
Molecular consequence: missense variant.
Genome position (GRCh38, 1-based): chrX:153,694,194, G>A. VCF-style: chrX-153694194-G-A. GRCh37 (hg19) VCF-style: chrX-152959649-G-A.
Other names: NM_005629.4(SLC6A8):c.1319G>A; p.Arg440His; c.1289G>A, p.Arg430His (NM_001142805.2); c.974G>A, p.Arg325His (NM_001142806.1); short protein forms R440H, R325H, R430H.
Identifiers: ClinVar variation 372933 (VCV000372933.13), dbSNP rs781925657, ClinGen allele CA10549492.